The following is an entry in ClinVar:

NM_018489.3(ASH1L):c.598C>G (p.Arg200Gly)

Gene: ASH1L (ASH1 like histone lysine methyltransferase; minus strand). Cytogenetic location: 1q22.
Variant type: single nucleotide variant.
Coding change: c.598C>G on transcript NM_018489.3 (MANE Select); coding-DNA position 598, C replaced by G.
Protein change: p.Arg200Gly; replaces arginine 200 with glycine.
Molecular consequence: missense variant.
Genome position (GRCh38, 1-based): chr1:155,482,272, G>C on the plus strand (C>G on the coding strand, the complement: ASH1L is on the minus strand). VCF-style: chr1-155482272-G-C. GRCh37 (hg19) VCF-style: chr1-155452063-G-C.
Other names: c.598C>G, p.Arg200Gly (NM_001366177.2); c.598C>G (NM_018489.2); short protein forms R200G.
Identifiers: ClinVar variation 1404784 (VCV001404784.8), dbSNP rs771535213, ClinGen allele CA342745045.

ClinVar aggregate classification (germline): Uncertain significance. Review status: criteria provided, multiple submitters, no conflicts (2 of 4 stars). 2 submissions from 2 submitters: Uncertain significance (2). Last evaluated 2024-07-07.

Conditions:
Inborn genetic diseases. Identifiers: MedGen C0950123, MeSH D030342.

gnomAD v4.1: 1 of 1,614,062 alleles (0.000062%); highest among the groups gnomAD compares: Non-Finnish European, 0.000085%; no homozygotes.

Submissions (2):

Ambry Genetics
Classification: Uncertain significance for Inborn genetic diseases. Last evaluated: 2024-07-07. Review status: criteria provided, single submitter. Criteria: Ambry Variant Classification Scheme 2023. Collection method: clinical testing. Allele origin: germline.

Labcorp Genetics (formerly Invitae), Labcorp
Classification: Uncertain significance. Last evaluated: 2021-03-25. Review status: criteria provided, single submitter. Criteria: Invitae Variant Classification Sherloc (09022015). Collection method: clinical testing. Allele origin: germline.
Comment: This sequence change replaces arginine with glycine at codon 200 of the ASH1L protein (p.Arg200Gly). The arginine residue is moderately conserved and there is a moderate physicochemical difference between arginine and glycine. This variant is not present in population databases (ExAC no frequency). This variant has not been reported in the literature in individuals with ASH1L-related conditions. Algorithms developed to predict the effect of missense changes on protein structure and function are either unavailable or do not agree on the potential impact of this missense change (SIFT: "Deleterious"; PolyPhen-2: "Benign"; Align-GVGD: "Class C0"). In summary, the available evidence is currently insufficient to determine the role of this variant in disease. Therefore, it has been classified as a Variant of Uncertain Significance.